The following is an entry in ClinVar:

ClinVar aggregate classification (germline): Uncertain significance. Review status: criteria provided, multiple submitters, no conflicts (2 of 4 stars). 2 submissions from 2 submitters: Uncertain significance (2). Last evaluated 2022-10-13.

Conditions:
Retinitis pigmentosa 85 (RP85). Identifiers: MedGen C5193041, MONDO:0032689, OMIM 618345.

Allele frequency attached by ClinVar (database versions not stated): ExAC 0.00006; gnomAD exomes 0.00006 and 0.00008; ESP Exome Variant Server 0.00008; gnomAD 0.00009; TOPMed 0.00009; 1000 Genomes Project 30x 0.00016; 1000 Genomes Project 0.00020.
gnomAD v4.1: 130 of 1,614,086 alleles (0.0081%); highest among the groups gnomAD compares: Non-Finnish European, 0.0098%; no homozygotes.

Submissions (2):

Labcorp Genetics (formerly Invitae), Labcorp
Classification: Uncertain significance. Last evaluated: 2022-10-13. Review status: criteria provided, single submitter. Criteria: Invitae Variant Classification Sherloc (09022015). Collection method: clinical testing. Allele origin: germline.
Comment: This sequence change replaces glycine, which is neutral and non-polar, with alanine, which is neutral and non-polar, at codon 437 of the AHR protein (p.Gly437Ala). This variant is present in population databases (rs138430398, gnomAD 0.01%). This variant has not been reported in the literature in individuals affected with AHR-related conditions. ClinVar contains an entry for this variant (Variation ID: 1037113). Algorithms developed to predict the effect of missense changes on protein structure and function output the following: SIFT: "Tolerated"; PolyPhen-2: "Benign"; Align-GVGD: "Class C0". The alanine amino acid residue is found in multiple mammalian species, which suggests that this missense change does not adversely affect protein function. In summary, the available evidence is currently insufficient to determine the role of this variant in disease. Therefore, it has been classified as a Variant of Uncertain Significance.

Department of Pathology and Laboratory Medicine, Sinai Health System
Classification: Uncertain significance for retinitis pigmentosa 85. Last evaluated: 2021-10-18. Review status: criteria provided, single submitter. Criteria: ACMG Guidelines, 2015. Collection method: research. Allele origin: germline.

NM_001621.5(AHR):c.1310G>C (p.Gly437Ala)

Gene: AHR (aryl hydrocarbon receptor; plus strand). Cytogenetic location: 7p21.1.
Variant type: single nucleotide variant.
Coding change: c.1310G>C on transcript NM_001621.5 (MANE Select); coding-DNA position 1310, G replaced by C.
Protein change: p.Gly437Ala; replaces glycine 437 with alanine.
Molecular consequence: missense variant.
Genome position (GRCh38, 1-based): chr7:17,339,135, G>C. VCF-style: chr7-17339135-G-C. GRCh37 (hg19) VCF-style: chr7-17378759-G-C.
Other names: short protein forms G437A.
Identifiers: ClinVar variation 1037113 (VCV001037113.5), dbSNP rs138430398, ClinGen allele CA4172083.
Genomic context (GRCh38, chr7:17,339,135, plus strand): 5'-CCAACCCTTTTCCTGCCATAATGGATCCCTTACCACTAAGGACTAAAAATGGCACTAGTG[G>C]AAAAGACTCTGCTACCACATCCACTCTAAGCAAGGACTCTCTCAATCCTAGTTCCCTCCT-3'
Protein context (NP_001612.1, residues 427-447): LPLRTKNGTS[Gly437Ala]KDSATTSTLS